The following is an entry in ClinVar:

ClinVar aggregate classification (germline): Uncertain significance (1 of 4 stars; one submission).

Conditions:
Fanconi anemia (FA). Also called: Fanconi's anemia. Identifiers: Orphanet 84, MedGen C0015625, MeSH D005199, MONDO:0019391.

Allele frequency attached by ClinVar (database versions not stated): gnomAD exomes below 0.00001 and 0.00001; gnomAD 0.00001; TOPMed 0.00001; ExAC 0.00002.
gnomAD v4.1: 5 of 1,612,798 alleles (0.00031%); highest among the groups gnomAD compares: African/African-American, 0.004%; no homozygotes.

Submission:

Labcorp Genetics (formerly Invitae), Labcorp
Classification: Uncertain significance for Fanconi anemia. Last evaluated: 2022-09-19. Review status: criteria provided, single submitter. Criteria: Invitae Variant Classification Sherloc (09022015). Collection method: clinical testing. Allele origin: germline.
Comment: This sequence change replaces phenylalanine, which is neutral and non-polar, with cysteine, which is neutral and slightly polar, at codon 356 of the FANCL protein (p.Phe356Cys). This variant is present in population databases (rs773869051, gnomAD 0.007%). This variant has not been reported in the literature in individuals affected with FANCL-related conditions. ClinVar contains an entry for this variant (Variation ID: 241248). Advanced modeling of protein sequence and biophysical properties (such as structural, functional, and spatial information, amino acid conservation, physicochemical variation, residue mobility, and thermodynamic stability) performed at Invitae indicates that this missense variant is expected to disrupt FANCL protein function. In summary, the available evidence is currently insufficient to determine the role of this variant in disease. Therefore, it has been classified as a Variant of Uncertain Significance.

NM_018062.4(FANCL):c.1067T>G (p.Phe356Cys)

Gene: FANCL (FA complementation group L; minus strand). Cytogenetic location: 2p16.1.
Variant type: single nucleotide variant.
Coding change: c.1067T>G on transcript NM_018062.4 (MANE Select); coding-DNA position 1067, T replaced by G.
Protein change: p.Phe356Cys; replaces phenylalanine 356 with cysteine.
Molecular consequence: missense variant.
Genome position (GRCh38, 1-based): chr2:58,160,133, A>C on the plus strand (T>G on the coding strand, the complement: FANCL is on the minus strand). VCF-style: chr2-58160133-A-C. GRCh37 (hg19) VCF-style: chr2-58387268-A-C.
Other names: c.1082T>G, p.Phe361Cys (NM_001114636.2); c.1112T>G, p.Phe371Cys (NM_001374615.1); c.1127T>G, p.Phe376Cys (NM_001410792.1); short protein forms F356C, F361C, F371C, F376C.
Identifiers: ClinVar variation 241248 (VCV000241248.6), dbSNP rs773869051, ClinGen allele CA1670317.